The following is an entry in ClinVar:

ClinVar aggregate classification (germline): Benign/Likely benign. Review status: criteria provided, multiple submitters, no conflicts (2 of 4 stars). 5 submissions from 5 submitters: Benign (1); Likely benign (4). Last evaluated 2026-05-20.

Conditions:
Neurofibromatosis, type 1 (NF1). Also called: NEUROFIBROMATOSIS, TYPE I, SOMATIC; Peripheral type neurofibromatosis; Neurofibromatosis, type I; VON RECKLINGHAUSEN DISEASE. Identifiers: Orphanet 636, MedGen C0027831, MONDO:0018975, OMIM 162200. Disease mechanism: loss of function.
Hereditary cancer-predisposing syndrome. Also called: Tumor predisposition; Hereditary Cancer Syndrome; Neoplastic Syndromes, Hereditary; Hereditary neoplastic syndrome. Identifiers: Orphanet 140162, MedGen C0027672, MeSH D009386, MONDO:0015356.
Cardiovascular phenotype. Identifiers: MedGen CN230736.

Allele frequency attached by ClinVar (database versions not stated): gnomAD exomes 0.00001.
gnomAD v4.1: 4 of 1,614,188 alleles (0.00025%); highest among the groups gnomAD compares: Non-Finnish European, 0.00025%; no homozygotes.

Submissions (5):

Myriad Genetics, Inc.
Classification: Benign for Neurofibromatosis, type 1. Last evaluated: 2026-05-20. Review status: criteria provided, single submitter. Criteria: Myriad Autosomal Dominant, Autosomal Recessive and X-Linked Classification Criteria (2023). Collection method: clinical testing. Allele origin: unknown.
Comment: This variant is considered benign. This variant is a silent/synonymous amino acid change and it is not expected to impact splicing.

Labcorp Genetics (formerly Invitae), Labcorp
Classification: Likely benign for Neurofibromatosis, type 1. Last evaluated: 2025-11-13. Review status: criteria provided, single submitter. Criteria: Invitae Variant Classification Sherloc (09022015). Collection method: clinical testing. Allele origin: germline.

Ambry Genetics
Classification: Likely benign for Cardiovascular phenotype; Hereditary cancer-predisposing syndrome. Last evaluated: 2025-04-19. Review status: criteria provided, single submitter. Criteria: Ambry Variant Classification Scheme 2023. Collection method: clinical testing. Allele origin: germline.

Blueprint Genetics
Classification: Likely benign. Last evaluated: 2024-05-14. Review status: criteria provided, single submitter. Criteria: ACMG Guidelines, 2015. Collection method: clinical testing. Allele origin: germline.

Genome-Nilou Lab
Classification: Likely benign for Neurofibromatosis, type 1. Last evaluated: 2022-03-15. Review status: criteria provided, single submitter. Criteria: ACMG Guidelines, 2015. Collection method: clinical testing. Allele origin: germline. Affected: no.

NM_001042492.3(NF1):c.3582C>T (p.Asp1194=)

Gene: NF1 (neurofibromin 1; plus strand). Cytogenetic location: 17q11.2.
Variant type: single nucleotide variant.
Coding change: c.3582C>T on transcript NM_001042492.3 (MANE Select); coding-DNA position 3582, C replaced by T.
Protein change: p.Asp1194=; no amino-acid change (aspartic acid 1194 retained).
Molecular consequence: synonymous variant.
Genome position (GRCh38, 1-based): chr17:31,233,087, C>T. VCF-style: chr17-31233087-C-T. GRCh37 (hg19) VCF-style: chr17-29560105-C-T.
Other names: c.3582C>T, p.Asp1194= (NM_000267.4).
Identifiers: ClinVar variation 484099 (VCV000484099.15), dbSNP rs1555615036, ClinGen allele CA499444029.